The following is an entry in ClinVar:

ClinVar aggregate classification (germline): Uncertain significance (1 of 4 stars; one submission).

Submission:

GeneDx
Classification: Uncertain significance. Last evaluated: 2022-11-30. Review status: criteria provided, single submitter. Criteria: GeneDx Variant Classification Process June 2021. Collection method: clinical testing. Allele origin: germline. Affected: yes.
Comment: Has not been previously published as pathogenic or benign to our knowledge; Not observed at significant frequency in large population cohorts (gnomAD); In silico analysis supports that this missense variant does not alter protein structure/function

NM_001376.5(DYNC1H1):c.3688T>G (p.Ser1230Ala)

Gene: DYNC1H1 (dynein cytoplasmic 1 heavy chain 1; plus strand). Cytogenetic location: 14q32.31.
Variant type: single nucleotide variant.
Coding change: c.3688T>G on transcript NM_001376.5 (MANE Select); coding-DNA position 3688, T replaced by G.
Protein change: p.Ser1230Ala; replaces serine 1230 with alanine.
Molecular consequence: missense variant.
Genome position (GRCh38, 1-based): chr14:101,997,158, T>G. VCF-style: chr14-101997158-T-G. GRCh37 (hg19) VCF-style: chr14-102463495-T-G.
Other names: short protein forms S1230A.
Identifiers: ClinVar variation 2504207 (VCV002504207.1), dbSNP rs2503720303, ClinGen allele CA391036074.